The following is an entry in ClinVar:

ClinVar aggregate classification (germline): Pathogenic (1 of 4 stars; one submission).

Conditions:
Achondrogenesis, type IB (ACG1B). Also called: Achondrogenesis Type 1B. Identifiers: Orphanet 932, Orphanet 93298, MedGen C0265274, MONDO:0010966, OMIM 600972.
Diastrophic dysplasia (DTD). Also called: Diastrophic dwarfism. Identifiers: Orphanet 628, MedGen C0220726, MONDO:0009107, OMIM 222600.
Multiple epiphyseal dysplasia type 4 (EDM4). Also called: Multiple Epiphyseal Dysplasia, Recessive; MULTIPLE EPIPHYSEAL DYSPLASIA WITH BILAYERED PATELLAE; MULTIPLE EPIPHYSEAL DYSPLASIA WITH CLUBFOOT; MULTIPLE EPIPHYSEAL DYSPLASIA, AUTOSOMAL RECESSIVE; SLC26A2-Related Multiple Epiphyseal Dysplasia. Identifiers: Orphanet 93307, MedGen C1847593, MONDO:0009189, OMIM 226900.
Atelosteogenesis type II (AO2). Also called: NEONATAL OSSEOUS DYSPLASIA I; SLC26A2-Related Atelosteogenesis; Neonatal osseous dysplasia 1. Identifiers: Orphanet 56304, MedGen C1850554, MONDO:0009727, OMIM 256050.

Submission:

Labcorp Genetics (formerly Invitae), Labcorp
Classification: Pathogenic for Atelosteogenesis type II; Multiple epiphyseal dysplasia type 4; Achondrogenesis, type IB; Diastrophic dysplasia. Last evaluated: 2022-02-17. Review status: criteria provided, single submitter. Criteria: Invitae Variant Classification Sherloc (09022015). Collection method: clinical testing. Allele origin: germline.
Comment: This sequence change creates a premature translational stop signal (p.Gln602Leufs*6) in the SLC26A2 gene. While this is not anticipated to result in nonsense mediated decay, it is expected to disrupt the last 138 amino acid(s) of the SLC26A2 protein. This variant is not present in population databases (gnomAD no frequency). This variant has not been reported in the literature in individuals affected with SLC26A2-related conditions. This variant disrupts a region of the SLC26A2 protein in which other variant(s) (p.Ala715Val) have been determined to be pathogenic (PMID: 11448940, 15294877, 21077204). This suggests that this is a clinically significant region of the protein, and that variants that disrupt it are likely to be disease-causing. For these reasons, this variant has been classified as Pathogenic.

Literature cited by the submitters: PubMed 11448940; PubMed 15294877; PubMed 21077204.

NM_000112.4(SLC26A2):c.1805_1808del (p.Gln602fs)

Gene: SLC26A2 (solute carrier family 26 member 2; plus strand). Cytogenetic location: 5q32.
Variant type: Microsatellite.
Coding change: c.1805_1808del on transcript NM_000112.4 (MANE Select); coding-DNA positions 1805 to 1808, 4 bases deleted (AAAC; older notation c.1805_1808delAAAC).
Protein change: p.Gln602fs; shifts the reading frame from glutamine 602.
Molecular consequence: frameshift variant.
Genome position (GRCh38, 1-based): chr5:149,981,398-149,981,401, AAAC deleted; deleting any 4 consecutive bases within chr5:149,981,392-149,981,401 gives the same sequence; the c. name uses the placement nearest the transcript's 3' end. VCF-style (leftmost placement, unchanged base first): chr5-149981391-TACAA-T. GRCh37 (hg19) VCF-style: chr5-149360954-TACAA-T.
Other names: short protein forms Q602fs.
Identifiers: ClinVar variation 2098084 (VCV002098084.4), dbSNP rs2480777100, ClinGen allele CA2580614770.